The following is an entry in ClinVar:

NM_001267550.2(TTN):c.43214-4T>C

Gene: TTN (titin; minus strand). Cytogenetic location: 2q31.2.
Variant type: single nucleotide variant.
Coding change: c.43214-4T>C on transcript NM_001267550.2 (MANE Select); 4 bases into the intron before coding-DNA position 43214, T replaced by C.
Molecular consequence: intron variant.
Genome position (GRCh38, 1-based): chr2:178,632,796, A>G on the plus strand (T>C on the coding strand, the complement: TTN is on the minus strand). VCF-style: chr2-178632796-A-G. GRCh37 (hg19) VCF-style: chr2-179497523-A-G.
Other names: c.16019-4T>C (NM_003319.4); c.16595-4T>C (NM_133437.4); c.16394-4T>C (NM_133432.3); c.35510-4T>C (NM_133378.4); c.38291-4T>C (NM_001256850.1).
Identifiers: ClinVar variation 1776183 (VCV001776183.2), dbSNP rs2471477882, ClinGen allele CA2580065131.

ClinVar aggregate classification (germline): Uncertain significance (1 of 4 stars; one submission).

Conditions:
Cardiovascular phenotype. Identifiers: MedGen CN230736.

Allele frequency attached by ClinVar (database versions not stated): gnomAD exomes below 0.00001.
gnomAD v4.1: 1 of 1,612,988 alleles (0.000062%); highest among the groups gnomAD compares: Non-Finnish European, 0.000085%; no homozygotes.

Submission:

Ambry Genetics
Classification: Uncertain significance for Cardiovascular phenotype. Last evaluated: 2021-08-23. Review status: criteria provided, single submitter. Criteria: Ambry Variant Classification Scheme 2023. Collection method: clinical testing. Allele origin: germline.
Comment: The c.16019-4T>C intronic variant results from a T to C substitution 4 nucleotides upstream from coding exon 62 in the TTN gene. This nucleotide position is not well conserved in available vertebrate species. In silico splice site analysis predicts that this alteration will not have any significant effect on splicing. Since supporting evidence is limited at this time, the clinical significance of this alteration remains unclear.